The following is an entry in ClinVar:

ClinVar aggregate classification (germline): Uncertain significance (1 of 4 stars; one submission).

Allele frequency attached by ClinVar (database versions not stated): gnomAD exomes below 0.00001; TOPMed 0.00001.

Submission:

Labcorp Genetics (formerly Invitae), Labcorp
Classification: Uncertain significance. Last evaluated: 2025-02-24. Review status: criteria provided, single submitter. Criteria: Invitae Variant Classification Sherloc (09022015). Collection method: clinical testing. Allele origin: germline.
Comment: This sequence change replaces glutamic acid, which is acidic and polar, with glycine, which is neutral and non-polar, at codon 294 of the NEUROD1 protein (p.Glu294Gly). This variant is not present in population databases (gnomAD no frequency). This variant has not been reported in the literature in individuals affected with NEUROD1-related conditions. ClinVar contains an entry for this variant (Variation ID: 2792198). Invitae Evidence Modeling of protein sequence and biophysical properties (such as structural, functional, and spatial information, amino acid conservation, physicochemical variation, residue mobility, and thermodynamic stability) indicates that this missense variant is not expected to disrupt NEUROD1 protein function with a negative predictive value of 80%. In summary, the available evidence is currently insufficient to determine the role of this variant in disease. Therefore, it has been classified as a Variant of Uncertain Significance.

NM_002500.5(NEUROD1):c.881A>G (p.Glu294Gly)

Gene: NEUROD1 (neuronal differentiation 1; minus strand). Cytogenetic location: 2q31.3.
Variant type: single nucleotide variant.
Coding change: c.881A>G on transcript NM_002500.5 (MANE Select); coding-DNA position 881, A replaced by G.
Protein change: p.Glu294Gly; replaces glutamic acid 294 with glycine.
Molecular consequence: missense variant.
Genome position (GRCh38, 1-based): chr2:181,677,980, T>C on the plus strand (A>G on the coding strand, the complement: NEUROD1 is on the minus strand). VCF-style: chr2-181677980-T-C. GRCh37 (hg19) VCF-style: chr2-182542707-T-C.
Other names: short protein forms E294G.
Identifiers: ClinVar variation 2792198 (VCV002792198.3), dbSNP rs970297397, ClinGen allele CA62111405.